The following is an entry in ClinVar:

ClinVar aggregate classification (germline): Uncertain significance (1 of 4 stars; one submission).

Submission:

Kariminejad - Najmabadi Pathology & Genetics Center
Classification: Uncertain significance. Last evaluated: 2018-04-21. Review status: criteria provided, single submitter. Criteria: ACMG Guidelines, 2015. Collection method: clinical testing. Allele origin: germline. Inheritance: Autosomal recessive inheritance. Affected: yes.
Comment: PM2,PP3,PP4, PP2or PM3

NM_000080.4(CHRNE):c.497T>C (p.Phe166Ser)

Genes: C17orf107 (chromosome 17 open reading frame 107; plus strand), CHRNE (cholinergic receptor nicotinic epsilon subunit; minus strand). Cytogenetic location: 17p13.2.
Variant type: single nucleotide variant.
Coding change: c.497T>C on transcript NM_000080.4 (MANE Select); coding-DNA position 497, T replaced by C.
Protein change: p.Phe166Ser; replaces phenylalanine 166 with serine.
Molecular consequence: missense variant. On other transcripts: 3 prime UTR variant (1).
Genome position (GRCh38, 1-based): chr17:4,901,935, A>G on the plus strand (T>C on the coding strand, the complement: CHRNE is on the minus strand). VCF-style: chr17-4901935-A-G. GRCh37 (hg19) VCF-style: chr17-4805230-A-G.
Other names: c.*1402A>G (NM_001145536.2); short protein forms F166S.
Identifiers: ClinVar variation 3896809 (VCV003896809.1).